The following is an entry in ClinVar:

NM_014989.7(RIMS1):c.1679-16551C>T

Gene: RIMS1 (regulating synaptic membrane exocytosis 1; plus strand). Cytogenetic location: 6q13.
Variant type: single nucleotide variant.
Coding change: c.1679-16551C>T on transcript NM_014989.7 (MANE Select); 16551 bases into the intron before coding-DNA position 1679, C replaced by T.
Molecular consequence: intron variant. On other transcripts: missense variant (5), 5 prime UTR variant (1).
Genome position (GRCh38, 1-based): chr6:72,217,222, C>T. VCF-style: chr6-72217222-C-T. GRCh37 (hg19) VCF-style: chr6-72926925-C-T.
Other names: c.34C>T, p.His12Tyr (NM_001168410.2, NM_001350470.2, NM_001350472.2 and 2 more transcripts); c.-79C>T (NM_001350471.2); c.-58+4000C>T (NM_001350428.2, NM_001350459.2, NM_001350424.2 and 4 more transcripts); c.100+4000C>T (NM_001350458.2, NM_001350433.2, NM_001350446.2 and 37 more transcripts); c.-58+584C>T (NM_001350462.2); c.-144+584C>T (NM_001350469.2, NM_001168409.2, NM_001350466.2 and 6 more transcripts); short protein forms H12Y.
Identifiers: ClinVar variation 930877 (VCV000930877.3), dbSNP rs1012788466, ClinGen allele CA364823252.

ClinVar aggregate classification (germline): Uncertain significance (1 of 4 stars; one submission).

Conditions:
Cone-rod dystrophy 7 (CORD7). Identifiers: Orphanet 1872, MedGen C1863634, MONDO:0011355, OMIM 603649.

Allele frequency attached by ClinVar (database versions not stated): TOPMed below 0.00001.

Submission:

Centre for Mendelian Genomics, University Medical Centre Ljubljana
Classification: Uncertain significance for Cone-rod dystrophy 7. Last evaluated: 2020-01-30. Review status: criteria provided, single submitter. Criteria: ACMG Guidelines, 2015. Collection method: clinical testing. Allele origin: unknown. Affected: yes.
Comment: This variant was classified as: Uncertain significance. The available evidence favors the pathogenic nature of this variant, however the currently available data is insufficient to conclusively support its pathogenic nature. Thus this variant is classified as Uncertain significance - favor pathogenic. The following ACMG criteria were applied in classifying this variant: PM2,PP4.